The following is an entry in ClinVar:

NM_001370259.2(MEN1):c.1305_1306del (p.Trp436fs)

Gene: MEN1 (menin 1; minus strand). Cytogenetic location: 11q13.1.
Variant type: Deletion.
Coding change: c.1305_1306del on transcript NM_001370259.2 (MANE Select); coding-DNA positions 1305 to 1306, 2 bases deleted (CT; older notation c.1305_1306delCT).
Protein change: p.Trp436fs; shifts the reading frame from tryptophan 436.
Molecular consequence: frameshift variant.
Genome position (GRCh38, 1-based): chr11:64,805,078-64,805,079, AG deleted on the plus strand (CT on the coding strand, the reverse complement: MEN1 is on the minus strand). VCF-style (leftmost placement, unchanged base first): chr11-64805077-CAG-C. GRCh37 (hg19) VCF-style: chr11-64572549-CAG-C.
Other names: c.1320_1321del, p.Trp441fs (NM_000244.4, NM_130800.3, NM_130801.3 and 3 more transcripts); c.1431_1432del, p.Trp478fs (NM_001370251.2); c.1305_1306del, p.Trp436fs (NM_001370260.2, NM_001370261.2, NM_130799.3); c.1200_1201del, p.Trp401fs (NM_001370262.2, NM_001370263.2); c.1431_1432delCT, p.Trp478Glyfs (NM_001407142.1, NM_001407143.1, NM_001407144.1); c.1320_1321delCT, p.Trp441Glyfs (NM_001407145.1); c.1305_1306delCT, p.Trp436Glyfs (NM_001407146.1, NM_001407147.1); c.1200_1201delCT, p.Trp401Glyfs (NM_001407148.1, NM_001407149.1); and 2 more; short protein forms W401fs, W478fs, W436fs, W441fs.
Identifiers: ClinVar variation 2089494 (VCV002089494.4), dbSNP rs2497142477, ClinGen allele CA2580084450.

ClinVar aggregate classification (germline): Pathogenic (1 of 4 stars; one submission).

Conditions:
Multiple endocrine neoplasia, type 1 (MEN1). Also called: Endocrine adenomatosis multiple; MEN 1; MEA I; MEN I; WERMER SYNDROME. Identifiers: Orphanet 652, MedGen C0025267, MeSH D018761, MONDO:0007540, OMIM 131100.

Submission:

Labcorp Genetics (formerly Invitae), Labcorp
Classification: Pathogenic for Multiple endocrine neoplasia, type 1. Last evaluated: 2022-02-18. Review status: criteria provided, single submitter. Criteria: Invitae Variant Classification Sherloc (09022015). Collection method: clinical testing. Allele origin: germline.
Comment: For these reasons, this variant has been classified as Pathogenic. This variant disrupts a region of the MEN1 protein in which other variant(s) ( p.Arg516Glyfs*43) have been determined to be pathogenic (PMID: 9215689, 12112656, 17879353, 23321498). This suggests that this is a clinically significant region of the protein, and that variants that disrupt it are likely to be disease-causing. This variant has not been reported in the literature in individuals affected with MEN1-related conditions. This variant is not present in population databases (gnomAD no frequency). This sequence change creates a premature translational stop signal (p.Trp436Glyfs*12) in the MEN1 gene. While this is not anticipated to result in nonsense mediated decay, it is expected to disrupt the last 175 amino acid(s) of the MEN1 protein.

Literature cited by the submitters: PubMed 9215689; PubMed 12112656; PubMed 17879353; PubMed 23321498.